The following is an entry in ClinVar:

ClinVar aggregate classification (germline): not provided (0 of 4 stars; one submission).

Conditions:
Seizures, benign familial neonatal, 1. Also called: KCNQ2-Related Benign Familial Neonatal Epilepsy; Benign Neonatal Epilepsy 1; KCNQ2-Related Self-Limited Familial Neonatal Epilepsy (SLFNE); Seizures, benign neonatal, 1. Identifiers: Orphanet 1949, MedGen C3149074, MONDO:0007365, OMIM 121200.

Submission:

GeneReviews
No classification provided. Condition: Seizures, benign familial neonatal, 1. Review status: no classification provided. Collection method: literature only. Allele origin: germline. Affected: yes.
Comment: BFNE (benign familial neonatal epilepsy)

Literature cited by the submitters: PubMed 23290024; NCBI Bookshelf NBK32534.

NM_172107.4(KCNQ2):c.1126del (p.Thr376fs)

Gene: KCNQ2 (potassium voltage-gated channel subfamily Q member 2; minus strand). Cytogenetic location: 20q13.33.
Variant type: Deletion.
Coding change: c.1126del on transcript NM_172107.4 (MANE Select); coding-DNA position 1126, one base deleted (A; older notation c.1126delA).
Protein change: p.Thr376fs; shifts the reading frame from threonine 376.
Molecular consequence: frameshift variant. On other transcripts: intron variant (1).
Genome position (GRCh38, 1-based): chr20:63,431,362, T deleted on the plus strand (A on the coding strand, the reverse complement: KCNQ2 is on the minus strand); the first of 3 consecutive T bases (chr20:63,431,362-63,431,364); deleting any one gives the same sequence. VCF-style (leftmost placement, unchanged base first): chr20-63431361-GT-G. GRCh37 (hg19) VCF-style: chr20-62062714-GT-G.
Other names: c.1126del, p.Thr376fs (NM_172106.3, NM_172108.5); c.1118+2447del (NM_004518.6); short protein forms T376fs.
Identifiers: ClinVar variation 369786 (VCV000369786.2), dbSNP rs1057516113, ClinGen allele CA10654793.